The following is an entry in ClinVar:

NM_006516.4(SLC2A1):c.1454C>G (p.Pro485Arg)

Gene: SLC2A1 (solute carrier family 2 member 1; minus strand). Cytogenetic location: 1p34.2.
Variant type: single nucleotide variant.
Coding change: c.1454C>G on transcript NM_006516.4 (MANE Select); coding-DNA position 1454, C replaced by G.
Protein change: p.Pro485Arg; replaces proline 485 with arginine.
Molecular consequence: missense variant.
Genome position (GRCh38, 1-based): chr1:42,927,066, G>C on the plus strand (C>G on the coding strand, the complement: SLC2A1 is on the minus strand). VCF-style: chr1-42927066-G-C. GRCh37 (hg19) VCF-style: chr1-43392737-G-C.
Other names: short protein forms P485R.
Identifiers: ClinVar variation 4540429 (VCV004540429.1).

ClinVar aggregate classification (germline): Uncertain significance (1 of 4 stars; one submission).

Conditions:
Childhood onset GLUT1 deficiency syndrome 2. Also called: PAROXYSMAL EXERCISE-INDUCED DYSKINESIA WITH OR WITHOUT EPILEPSY AND/OR HEMOLYTIC ANEMIA; PAROXYSMAL EXERTION-INDUCED DYSTONIA WITH OR WITHOUT EPILEPSY AND/OR HEMOLYTIC ANEMIA; PED WITH OR WITHOUT EPILEPSY AND/OR HEMOLYTIC ANEMIA; PxMD-SLC2A1; Exertion-induced paroxysmal dyskinesia; Paroxysmal exercise-induced dystonia. Identifiers: Orphanet 98811, MedGen C1842534, MONDO:0012805, OMIM 612126.

gnomAD v4.1: 2 of 1,614,148 alleles (0.00012%); highest among the groups gnomAD compares: Non-Finnish European, 0.00017%; no homozygotes.

Submission:

MVZ Medizinische Genetik Mainz
Classification: Uncertain significance for Childhood onset GLUT1 deficiency syndrome 2. Last evaluated: 2025-12-10. Review status: criteria provided, single submitter. Criteria: UK Practice Guidelines For Variant Classification V4 01 2020. Collection method: clinical testing. Allele origin: germline. Inheritance: Autosomal dominant inheritance. Affected: yes. Observed: 1 variant allele.
Comment: ACMG Criteria: PM5,PM2_SUP,PP2,BP4_MOD